The following is an entry in ClinVar:

NM_000548.5(TSC2):c.5280C>T (p.Tyr1760=)

Gene: TSC2 (TSC complex subunit 2; plus strand). Cytogenetic location: 16p13.3.
Variant type: single nucleotide variant.
Coding change: c.5280C>T on transcript NM_000548.5 (MANE Select); coding-DNA position 5280, C replaced by T.
Protein change: p.Tyr1760=; no amino-acid change (tyrosine 1760 retained).
Molecular consequence: synonymous variant.
Genome position (GRCh38, 1-based): chr16:2,088,466, C>T. VCF-style: chr16-2088466-C-T. GRCh37 (hg19) VCF-style: chr16-2138467-C-T.
Other names: c.5079C>T, p.Tyr1693= (NM_001077183.3); c.5211C>T, p.Tyr1737= (NM_001114382.3); c.4971C>T, p.Tyr1657= (NM_001318827.2); c.4935C>T, p.Tyr1645= (NM_001318829.2); c.4548C>T, p.Tyr1516= (NM_001318831.2); c.5112C>T, p.Tyr1704= (NM_001318832.2); c.5082C>T, p.Tyr1694= (NM_001363528.2); c.5148C>T, p.Tyr1716= (NM_001370404.1); and 2 more.
Identifiers: ClinVar variation 468154 (VCV000468154.15), dbSNP rs1555441203, ClinGen allele CA493043662.

ClinVar aggregate classification (germline): Benign/Likely benign. Review status: criteria provided, multiple submitters, no conflicts (2 of 4 stars). 3 submissions from 3 submitters: Benign (1); Likely benign (2). Last evaluated 2025-06-06.

Conditions:
Hereditary cancer-predisposing syndrome. Also called: Hereditary neoplastic syndrome; Neoplastic Syndromes, Hereditary; Tumor predisposition; Hereditary Cancer Syndrome. Identifiers: Orphanet 140162, MedGen C0027672, MeSH D009386, MONDO:0015356.
Tuberous sclerosis 2 (TSC2). Identifiers: Orphanet 805, MedGen C1860707, MONDO:0013199, OMIM 613254.

Allele frequency attached by ClinVar (database versions not stated): gnomAD exomes 0.00001; TOPMed 0.00001.
gnomAD v4.1: 8 of 1,612,936 alleles (0.0005%); highest among the groups gnomAD compares: Non-Finnish European, 0.00068%; no homozygotes.

Submissions (3):

Myriad Genetics, Inc.
Classification: Benign for Tuberous sclerosis 2. Last evaluated: 2025-06-06. Review status: criteria provided, single submitter. Criteria: Myriad Autosomal Dominant, Autosomal Recessive and X-Linked Classification Criteria (2023). Collection method: clinical testing. Allele origin: unknown.
Comment: This variant is considered benign. This variant is a silent/synonymous amino acid change and it is not expected to impact splicing.

Labcorp Genetics (formerly Invitae), Labcorp
Classification: Likely benign for Tuberous sclerosis 2. Last evaluated: 2024-08-22. Review status: criteria provided, single submitter. Criteria: Invitae Variant Classification Sherloc (09022015). Collection method: clinical testing. Allele origin: germline.

Ambry Genetics
Classification: Likely benign for Hereditary cancer-predisposing syndrome. Last evaluated: 2022-09-01. Review status: criteria provided, single submitter. Criteria: Ambry Variant Classification Scheme 2023. Collection method: clinical testing. Allele origin: germline.